The following is an entry in ClinVar:

NM_001042492.3(NF1):c.3292G>A (p.Ala1098Thr)

Gene: NF1 (neurofibromin 1; plus strand). Cytogenetic location: 17q11.2.
Variant type: single nucleotide variant.
Coding change: c.3292G>A on transcript NM_001042492.3 (MANE Select); coding-DNA position 3292, G replaced by A.
Protein change: p.Ala1098Thr; replaces alanine 1098 with threonine.
Molecular consequence: missense variant.
Genome position (GRCh38, 1-based): chr17:31,232,167, G>A. VCF-style: chr17-31232167-G-A. GRCh37 (hg19) VCF-style: chr17-29559185-G-A.
Other names: c.3292G>A, p.Ala1098Thr (NM_000267.4); short protein forms A1098T.
Identifiers: ClinVar variation 1729859 (VCV001729859.4), dbSNP rs762164628, ClinGen allele CA398988894.
Genomic context (GRCh38, chr17:31,232,167, plus strand): 5'-TCACTTCTAGCTGGTCTCCCTCTGCAGCCTGAAGAAGGAGATGGTGTGGAATTGATGGAA[G>A]CCAAATCACAGTTATTTCTTAAGTAAATTTCAGTCACCAAAAAACATAAAGCAAAAAGCA-3'
Protein context (NP_001035957.1, residues 1088-1108): EEGDGVELME[Ala1098Thr]KSQLFLKYFT

ClinVar aggregate classification (germline): Uncertain significance. Review status: criteria provided, multiple submitters, no conflicts (2 of 4 stars). 2 submissions from 2 submitters: Uncertain significance (2). Last evaluated 2024-09-21.

Conditions:
Neurofibromatosis, type 1 (NF1). Also called: VON RECKLINGHAUSEN DISEASE; NEUROFIBROMATOSIS, TYPE I, SOMATIC; Neurofibromatosis, type I; Peripheral type neurofibromatosis. Identifiers: Orphanet 636, MedGen C0027831, MONDO:0018975, OMIM 162200. Disease mechanism: loss of function.
Cardiovascular phenotype. Identifiers: MedGen CN230736.
Hereditary cancer-predisposing syndrome. Also called: Neoplastic Syndromes, Hereditary; Tumor predisposition; Hereditary Cancer Syndrome; Hereditary neoplastic syndrome. Identifiers: Orphanet 140162, MedGen C0027672, MeSH D009386, MONDO:0015356.

gnomAD v4.1: 1 of 1,604,912 alleles (0.000062%); highest among the groups gnomAD compares: Non-Finnish European, 0.000085%; no homozygotes.

Submissions (2):

Labcorp Genetics (formerly Invitae), Labcorp
Classification: Uncertain significance for Neurofibromatosis, type 1. Last evaluated: 2024-09-21. Review status: criteria provided, single submitter. Criteria: Invitae Variant Classification Sherloc (09022015). Collection method: clinical testing. Allele origin: germline.
Comment: This sequence change replaces alanine, which is neutral and non-polar, with threonine, which is neutral and polar, at codon 1098 of the NF1 protein (p.Ala1098Thr). This variant is not present in population databases (gnomAD no frequency). This variant has not been reported in the literature in individuals affected with NF1-related conditions. ClinVar contains an entry for this variant (Variation ID: 1729859). Invitae Evidence Modeling of protein sequence and biophysical properties (such as structural, functional, and spatial information, amino acid conservation, physicochemical variation, residue mobility, and thermodynamic stability) indicates that this missense variant is expected to disrupt NF1 protein function with a positive predictive value of 80%. In summary, the available evidence is currently insufficient to determine the role of this variant in disease. Therefore, it has been classified as a Variant of Uncertain Significance.

Ambry Genetics
Classification: Uncertain significance for Cardiovascular phenotype; Hereditary cancer-predisposing syndrome. Last evaluated: 2024-01-04. Review status: criteria provided, single submitter. Criteria: Ambry Variant Classification Scheme 2023. Collection method: clinical testing. Allele origin: germline.
Comment: The p.A1098T variant (also known as c.3292G>A), located in coding exon 25 of the NF1 gene, results from a G to A substitution at nucleotide position 3292. The alanine at codon 1098 is replaced by threonine, an amino acid with similar properties. This amino acid position is highly conserved in available vertebrate species. In addition, the in silico prediction for this alteration is inconclusive. Since supporting evidence is limited at this time, the clinical significance of this alteration remains unclear.